The following is an entry in ClinVar:

NM_198253.3(TERT):c.3332C>T (p.Thr1111Met)

Gene: TERT (telomerase reverse transcriptase; minus strand). Cytogenetic location: 5p15.33.
Variant type: single nucleotide variant.
Coding change: c.3332C>T on transcript NM_198253.3 (MANE Select); coding-DNA position 3332, C replaced by T.
Protein change: p.Thr1111Met; replaces threonine 1111 with methionine.
Molecular consequence: missense variant. On other transcripts: non-coding transcript variant (2).
Genome position (GRCh38, 1-based): chr5:1,253,795, G>A on the plus strand (C>T on the coding strand, the complement: TERT is on the minus strand). VCF-style: chr5-1253795-G-A. GRCh37 (hg19) VCF-style: chr5-1253910-G-A.
Other names: c.3143C>T, p.Thr1048Met (NM_001193376.3); short protein forms T1111M, T1048M.
Identifiers: ClinVar variation 539203 (VCV000539203.16), dbSNP rs370686937, ClinGen allele CA3184211.

ClinVar aggregate classification (germline): Uncertain significance. Review status: criteria provided, multiple submitters, no conflicts (2 of 4 stars). 7 submissions from 7 submitters: Uncertain significance (6). 1 of the submissions does not count toward it. Last evaluated 2025-01-21.

Conditions:
Dyskeratosis congenita, autosomal dominant 2. Identifiers: MedGen C3151443, MONDO:0013521, OMIM 613989.
Idiopathic Pulmonary Fibrosis. Also called: Idiopathic fibrosing alveolitis, chronic form; idiopathic fibrosing alveolitis. Identifiers: Orphanet 2032, MedGen C1800706, MeSH D054990, MONDO:0800504.
Hereditary breast ovarian cancer syndrome. Also called: Hereditary breast and ovarian cancer syndrome; Hereditary breast and ovarian cancer; Breast and ovarian cancer; Hereditary breast and ovarian cancer syndrome (HBOC); BRCA1- and BRCA2-Associated Hereditary Breast and Ovarian Cancer; Hereditary breast and/or ovarian cancer syndrome. Identifiers: Orphanet 145, MedGen C0677776, MeSH D061325, MONDO:0003582. Disease mechanism: loss of function.
Dyskeratosis congenita. Identifiers: Orphanet 1775, MedGen C0265965, MONDO:0015780.
TERT-related disorder. Also called: TERT-related condition; TERT-related disorders.

Allele frequency attached by ClinVar (database versions not stated): gnomAD exomes 0.00001 and 0.00004; ExAC 0.00003; ESP Exome Variant Server 0.00008; gnomAD 0.00009 and 0.00010; TOPMed 0.00009.
gnomAD v4.1: 34 of 1,611,692 alleles (0.0021%); highest among the groups gnomAD compares: Admixed American, 0.025%; no homozygotes.

Submissions (7):

Ambry Genetics
Classification: Uncertain significance for Dyskeratosis congenita. Last evaluated: 2025-01-21. Review status: criteria provided, single submitter. Criteria: Ambry Variant Classification Scheme 2023. Collection method: clinical testing. Allele origin: germline.
Comment: The p.T1111M variant (also known as c.3332C>T), located in coding exon 16 of the TERT gene, results from a C to T substitution at nucleotide position 3332. The threonine at codon 1111 is replaced by methionine, an amino acid with similar properties. This amino acid position is highly conserved in available vertebrate species. In addition, the in silico prediction for this alteration is inconclusive. The evidence for this gene-disease relationship is limited; therefore, the clinical significance of this alteration is unclear.

Baylor Genetics
Classification: Uncertain significance for Dyskeratosis congenita, autosomal dominant 2. Last evaluated: 2024-02-12. Review status: criteria provided, single submitter. Criteria: ACMG Guidelines, 2015. Collection method: clinical testing. Allele origin: unknown.

Labcorp Genetics (formerly Invitae), Labcorp
Classification: Uncertain significance for Dyskeratosis congenita, autosomal dominant 2; Idiopathic Pulmonary Fibrosis. Last evaluated: 2024-02-06. Review status: criteria provided, single submitter. Criteria: Invitae Variant Classification Sherloc (09022015). Collection method: clinical testing. Allele origin: germline.
Comment: This sequence change replaces threonine, which is neutral and polar, with methionine, which is neutral and non-polar, at codon 1111 of the TERT protein (p.Thr1111Met). This variant is present in population databases (rs370686937, gnomAD 0.02%). This variant has not been reported in the literature in individuals affected with TERT-related conditions. ClinVar contains an entry for this variant (Variation ID: 539203). Advanced modeling of protein sequence and biophysical properties (such as structural, functional, and spatial information, amino acid conservation, physicochemical variation, residue mobility, and thermodynamic stability) performed at Invitae indicates that this missense variant is expected to disrupt TERT protein function with a positive predictive value of 95%. In summary, the available evidence is currently insufficient to determine the role of this variant in disease. Therefore, it has been classified as a Variant of Uncertain Significance.

GeneDx
Classification: Uncertain significance. Last evaluated: 2023-12-05. Review status: criteria provided, single submitter. Criteria: GeneDx Variant Classification Process June 2021. Collection method: clinical testing. Allele origin: germline. Affected: yes.
Comment: In silico analysis supports that this missense variant does not alter protein structure/function; Has not been previously published as pathogenic or benign to our knowledge

Blueprint Genetics
Classification: Uncertain significance. Last evaluated: 2022-03-04. Review status: criteria provided, single submitter. Criteria: ACMG Guidelines, 2015. Collection method: clinical testing. Allele origin: germline.

Molecular Oncology Research Center, Barretos Cancer Hospital
Classification: Uncertain significance for Hereditary breast ovarian cancer syndrome. Last evaluated: 2020-08-01. Review status: criteria provided, single submitter. Criteria: ACMG Guidelines, 2015. Collection method: research. Allele origin: germline. Affected: yes. Observed: 1 variant allele.

PreventionGenetics, part of Exact Sciences
Classification: Uncertain significance for TERT-related condition. Last evaluated: 2024-08-13. Review status: no assertion criteria provided. Collection method: clinical testing. Allele origin: germline. Not counted in ClinVar's aggregate classification.
Comment: The TERT c.3332C>T variant is predicted to result in the amino acid substitution p.Thr1111Met. To our knowledge, this variant has not been reported in the literature. This variant is reported in 0.018% of alleles in individuals of Latino descent in gnomAD and is classified as a variant of uncertain significance in ClinVar. At this time, the clinical significance of this variant is uncertain due to the absence of conclusive functional and genetic evidence.